The following is an entry in ClinVar:

ClinVar aggregate classification (germline): Uncertain significance. Review status: criteria provided, multiple submitters, no conflicts (2 of 4 stars). 3 submissions from 3 submitters: Uncertain significance (3). Last evaluated 2025-11-08.

Conditions:
Inborn genetic diseases. Identifiers: MedGen C0950123, MeSH D030342.
Bardet-Biedl syndrome 7 (BBS7). Identifiers: Orphanet 110, MedGen C1859565, MONDO:0014435, OMIM 615984.
Bardet-Biedl syndrome (BBS). Identifiers: Orphanet 110, MedGen C0752166, MONDO:0015229.

Allele frequency attached by ClinVar (database versions not stated): ExAC 0.00001; gnomAD 0.00001 and 0.00002; gnomAD exomes 0.00001; ESP Exome Variant Server 0.00008.
gnomAD v4.1: 8 of 1,613,742 alleles (0.0005%); highest among the groups gnomAD compares: Admixed American, 0.005%; no homozygotes.

Submissions (3):

Ambry Genetics
Classification: Uncertain significance for Inborn genetic diseases. Last evaluated: 2025-11-08. Review status: criteria provided, single submitter. Criteria: Ambry Variant Classification Scheme 2023. Collection method: clinical testing. Allele origin: germline.

Fulgent Genetics
Classification: Uncertain significance for Bardet-Biedl syndrome 7. Last evaluated: 2024-03-04. Review status: criteria provided, single submitter. Criteria: ACMG Guidelines, 2015. Collection method: clinical testing. Allele origin: germline.

Labcorp Genetics (formerly Invitae), Labcorp
Classification: Uncertain significance for Bardet-Biedl syndrome. Last evaluated: 2022-07-29. Review status: criteria provided, single submitter. Criteria: Invitae Variant Classification Sherloc (09022015). Collection method: clinical testing. Allele origin: germline.
Comment: This sequence change replaces aspartic acid, which is acidic and polar, with histidine, which is basic and polar, at codon 654 of the BBS7 protein (p.Asp654His). This variant is present in population databases (rs143632090, gnomAD 0.003%). This variant has not been reported in the literature in individuals affected with BBS7-related conditions. ClinVar contains an entry for this variant (Variation ID: 1427622). Algorithms developed to predict the effect of missense changes on protein structure and function are either unavailable or do not agree on the potential impact of this missense change (SIFT: "Deleterious"; PolyPhen-2: "Possibly Damaging"; Align-GVGD: "Class C0"). In summary, the available evidence is currently insufficient to determine the role of this variant in disease. Therefore, it has been classified as a Variant of Uncertain Significance.

NM_176824.3(BBS7):c.1960G>C (p.Asp654His)

Gene: BBS7 (Bardet-Biedl syndrome 7; minus strand). Cytogenetic location: 4q27.
Variant type: single nucleotide variant.
Coding change: c.1960G>C on transcript NM_176824.3 (MANE Select); coding-DNA position 1960, G replaced by C.
Protein change: p.Asp654His; replaces aspartic acid 654 with histidine.
Molecular consequence: missense variant.
Genome position (GRCh38, 1-based): chr4:121,828,200, C>G on the plus strand (G>C on the coding strand, the complement: BBS7 is on the minus strand). VCF-style: chr4-121828200-C-G. GRCh37 (hg19) VCF-style: chr4-122749355-C-G.
Other names: c.1960G>C (NM_176824.2); c.1960G>C, p.Asp654His (NM_018190.4); short protein forms D654H.
Identifiers: ClinVar variation 1427622 (VCV001427622.7), dbSNP rs143632090, ClinGen allele CA3064085.